The following is an entry in ClinVar:

ClinVar aggregate classification (germline): Uncertain significance. Review status: criteria provided, multiple submitters, no conflicts (2 of 4 stars). 2 submissions from 2 submitters: Uncertain significance (2). Last evaluated 2025-08-18.

Conditions:
Inborn genetic diseases. Identifiers: MedGen C0950123, MeSH D030342.

gnomAD v4.1: 7 of 1,613,108 alleles (0.00043%); highest among the groups gnomAD compares: Admixed American, 0.005%; no homozygotes.

Submissions (2):

Labcorp Genetics (formerly Invitae), Labcorp
Classification: Uncertain significance. Last evaluated: 2025-08-18. Review status: criteria provided, single submitter. Criteria: Invitae Variant Classification Sherloc (09022015). Collection method: clinical testing. Allele origin: germline.
Comment: This sequence change replaces asparagine, which is neutral and polar, with serine, which is neutral and polar, at codon 301 of the C1S protein (p.Asn301Ser). This variant is present in population databases (rs782630063, gnomAD 0.002%). This variant has not been reported in the literature in individuals affected with C1S-related conditions. ClinVar contains an entry for this variant (Variation ID: 1501196). Invitae Evidence Modeling of protein sequence and biophysical properties (such as structural, functional, and spatial information, amino acid conservation, physicochemical variation, residue mobility, and thermodynamic stability) indicates that this missense variant is not expected to disrupt C1S protein function with a negative predictive value of 80%. In summary, the available evidence is currently insufficient to determine the role of this variant in disease. Therefore, it has been classified as a Variant of Uncertain Significance.

Ambry Genetics
Classification: Uncertain significance for Inborn genetic diseases. Last evaluated: 2025-07-08. Review status: criteria provided, single submitter. Criteria: Ambry Variant Classification Scheme 2023. Collection method: clinical testing. Allele origin: germline.

NM_001734.5(C1S):c.902A>G (p.Asn301Ser)

Gene: C1S (complement C1s; plus strand). Cytogenetic location: 12p13.31.
Variant type: single nucleotide variant.
Coding change: c.902A>G on transcript NM_001734.5 (MANE Select); coding-DNA position 902, A replaced by G.
Protein change: p.Asn301Ser; replaces asparagine 301 with serine.
Molecular consequence: missense variant.
Genome position (GRCh38, 1-based): chr12:7,066,548, A>G. VCF-style: chr12-7066548-A-G. GRCh37 (hg19) VCF-style: chr12-7173852-A-G.
Other names: c.401A>G, p.Asn134Ser (NM_001346850.2); c.902A>G, p.Asn301Ser (NM_201442.4); c.902A>G (NM_201442.2); short protein forms N301S, N134S.
Identifiers: ClinVar variation 1501196 (VCV001501196.10), dbSNP rs782630063, ClinGen allele CA6423614.